The following is an entry in ClinVar:

ClinVar aggregate classification (germline): Uncertain significance (1 of 4 stars; one submission).

Submission:

Ambry Genetics
Classification: Uncertain significance. Last evaluated: 2025-06-13. Review status: criteria provided, single submitter. Criteria: Ambry Variant Classification Scheme 2023. Collection method: clinical testing. Allele origin: germline.
Comment: The p.Y313C variant (also known as c.938A>G), located in coding exon 1 of the CDK12 gene, results from an A to G substitution at nucleotide position 938. The tyrosine at codon 313 is replaced by cysteine, an amino acid with highly dissimilar properties. This amino acid position is conserved. In addition, the in silico prediction for this alteration is inconclusive. Based on the available evidence, the clinical significance of this variant remains unclear.

NM_016507.4(CDK12):c.938A>G (p.Tyr313Cys)

Genes: CDK12 (cyclin dependent kinase 12; plus strand), LOC126862553 (CDK7 strongly-dependent group 2 enhancer GRCh37_chr17:37618166-37619365; plus strand). Cytogenetic location: 17q12.
Variant type: single nucleotide variant.
Coding change: c.938A>G on transcript NM_016507.4 (MANE Select); coding-DNA position 938, A replaced by G.
Protein change: p.Tyr313Cys; replaces tyrosine 313 with cysteine.
Molecular consequence: missense variant.
Genome position (GRCh38, 1-based): chr17:39,463,009, A>G. VCF-style: chr17-39463009-A-G. GRCh37 (hg19) VCF-style: chr17-37619262-A-G.
Other names: c.938A>G, p.Tyr313Cys (NM_015083.4); short protein forms Y313C.
Identifiers: ClinVar variation 3999555 (VCV003999555.1).